The following is an entry in ClinVar:

NM_001365951.3(KIF1B):c.5384A>G (p.Asn1795Ser)

Gene: KIF1B (kinesin family member 1B; plus strand). Cytogenetic location: 1p36.22.
Variant type: single nucleotide variant.
Coding change: c.5384A>G on transcript NM_001365951.3 (MANE Select); coding-DNA position 5384, A replaced by G.
Protein change: p.Asn1795Ser; replaces asparagine 1795 with serine.
Molecular consequence: missense variant.
Genome position (GRCh38, 1-based): chr1:10,375,349, A>G. VCF-style: chr1-10375349-A-G. GRCh37 (hg19) VCF-style: chr1-10435407-A-G.
Other names: c.5384A>G, p.Asn1795Ser (NM_001365952.1); c.5246A>G, p.Asn1749Ser (NM_015074.3); short protein forms N1749S, N1795S.
Identifiers: ClinVar variation 4858849 (VCV004858849.1).

ClinVar aggregate classification (germline): Uncertain significance (1 of 4 stars; one submission).

gnomAD v4.1: 1 of 1,613,710 alleles (0.000062%); highest among the groups gnomAD compares: East Asian, 0.0022%; no homozygotes.

Submission:

Ambry Genetics
Classification: Uncertain significance. Last evaluated: 2026-04-26. Review status: criteria provided, single submitter. Criteria: Ambry Variant Classification Scheme 2023. Collection method: clinical testing. Allele origin: germline.
Comment: The p.N1749S variant (also known as c.5246A>G), located in coding exon 45 of the KIF1B gene, results from an A to G substitution at nucleotide position 5246. The asparagine at codon 1749 is replaced by serine, an amino acid with highly similar properties. This amino acid position is conserved. In addition, this alteration is predicted to be tolerated by in silico analysis. Based on the available evidence, the clinical significance of this variant remains unclear.